The following is an entry in ClinVar:

ClinVar aggregate classification (germline): Conflicting classifications of pathogenicity. Review status: criteria provided, conflicting classifications (1 of 4 stars). 8 submissions from 8 submitters: Uncertain significance (5); Likely benign (3). Last evaluated 2025-12-29.

Conditions:
Breast and/or ovarian cancer. Identifiers: MedGen CN221562.
Hereditary cancer-predisposing syndrome. Also called: Neoplastic Syndromes, Hereditary; Hereditary Cancer Syndrome; Tumor predisposition; Hereditary neoplastic syndrome. Identifiers: Orphanet 140162, MedGen C0027672, MeSH D009386, MONDO:0015356.
Hereditary breast ovarian cancer syndrome. Also called: BRCA1- and BRCA2-Associated Hereditary Breast and Ovarian Cancer; Hereditary breast and ovarian cancer syndrome (HBOC); Hereditary breast and ovarian cancer syndrome; Hereditary breast and ovarian cancer; Hereditary breast and/or ovarian cancer syndrome; Breast and ovarian cancer. Identifiers: Orphanet 145, MedGen C0677776, MeSH D061325, MONDO:0003582. Disease mechanism: loss of function.
Familial cancer of breast. Also called: Hereditary breast cancer; hereditary breast carcinoma; BREAST CANCER, FAMILIAL. Identifiers: Orphanet 227535, MedGen C0346153, MONDO:0016419, OMIM 114480. Disease mechanism: loss of function.

Submissions (8):

Center for Genomic Medicine, Rigshospitalet, Copenhagen University Hospital
Classification: Likely benign. Last evaluated: 2025-12-29. Review status: criteria provided, single submitter. Criteria: ACMG Guidelines, 2015. Collection method: clinical testing. Allele origin: germline.
Comment: Classification criteria: BP1_strong, PM2_supporting

Ambry Genetics
Classification: Uncertain significance for Hereditary cancer-predisposing syndrome. Last evaluated: 2025-10-03. Review status: criteria provided, single submitter. Criteria: Ambry Variant Classification Scheme 2023. Collection method: clinical testing. Allele origin: germline.
Comment: The p.M1373T variant (also known as c.4118T>C), located in coding exon 10 of the BRCA2 gene, results from a T to C substitution at nucleotide position 4118. The methionine at codon 1373 is replaced by threonine, an amino acid with similar properties. This alteration was observed in 1/7051 unselected female breast cancer patients and was observed in 0/11241 female controls and 1/12490 male controls of Japanese ancestry (Momozawa Y et al. Nat Commun, 2018 10;9:4083). In a study of whole-exome sequencing in patients with features of Cowden syndrome (CS) or Bannayan-Riley-Ruvalcaba syndrome (BRRS) and negative PTEN testing, this alteration was identified in 0/87 patients with CS or BRRS and 1/3476 patients from The Cancer Genome Atlas (TCGA) (Yehia L et al. PLoS Genet., 2018 04;14:e1007352). This amino acid position is poorly conserved in available vertebrate species. In addition, this alteration is predicted to be tolerated by in silico analysis. Since supporting evidence is limited at this time, the clinical significance of this alteration remains unclear.

CeGaT Center for Human Genetics Tuebingen
Classification: Uncertain significance. Last evaluated: 2025-10-01. Review status: criteria provided, single submitter. Criteria: CeGaT Center For Human Genetics Tuebingen Variant Classification Criteria Version 2. Collection method: clinical testing. Allele origin: germline. Affected: yes. Observed: 1 variant allele.
Comment: BRCA2: PM2, BP4

Department of Clinical Genetics, Copenhagen University Hospital, Rigshospitalet
Classification: Likely benign for Familial cancer of breast. Last evaluated: 2025-02-25. Review status: criteria provided, single submitter. Criteria: ACMG Guidelines, 2015. Collection method: clinical testing. Allele origin: germline.
Comment: The following ACMG criteria has been used: BP1_Strong (SpliceAI <0.1)

Color Diagnostics, LLC DBA Color Health
Classification: Uncertain significance for Hereditary cancer-predisposing syndrome. Last evaluated: 2024-09-05. Review status: criteria provided, single submitter. Criteria: ACMG Guidelines, 2015. Collection method: clinical testing. Allele origin: germline.
Comment: This missense variant replaces methionine with threonine at codon 1373 of the BRCA2 protein. Computational prediction suggests that this variant may not impact protein structure and function. To our knowledge, functional studies have not been reported for this variant. This variant has been reported in a breast cancer case control study in 1/7051 female breast cancer cases and absent in 11241 unaffected control individuals (PMID: 30287823), and absent in cancer cases in a prostate cancer and a pancreatic cancer case control study and found in 1 unaffected control individual per study (PMID: 31214711, 32980694). A multifactorial analysis has reported a likelihood ratio for pathogenicity based on personal and family history of 0.513 from log(LR)=-0.290238738 for two carriers (PMID: 31853058). This variant has been identified in 3/247770 chromosomes in the general population by the Genome Aggregation Database (gnomAD). The available evidence is insufficient to determine the role of this variant in disease conclusively. Therefore, this variant is classified as a Variant of Uncertain Significance.

Labcorp Genetics (formerly Invitae), Labcorp
Classification: Uncertain significance for Hereditary breast ovarian cancer syndrome. Last evaluated: 2024-07-29. Review status: criteria provided, single submitter. Criteria: Invitae Variant Classification Sherloc (09022015). Collection method: clinical testing. Allele origin: germline.
Comment: This sequence change replaces methionine, which is neutral and non-polar, with threonine, which is neutral and polar, at codon 1373 of the BRCA2 protein (p.Met1373Thr). This variant is present in population databases (rs750581150, gnomAD 0.003%). This missense change has been observed in individual(s) with breast cancer (PMID: 30287823). ClinVar contains an entry for this variant (Variation ID: 232896). Advanced modeling of protein sequence and biophysical properties (such as structural, functional, and spatial information, amino acid conservation, physicochemical variation, residue mobility, and thermodynamic stability) performed at Invitae indicates that this missense variant is not expected to disrupt BRCA2 protein function with a negative predictive value of 95%. In summary, the available evidence is currently insufficient to determine the role of this variant in disease. Therefore, it has been classified as a Variant of Uncertain Significance.

University of Washington Department of Laboratory Medicine, University of Washington
Classification: Likely benign for Hereditary cancer-predisposing syndrome. Last evaluated: 2023-03-23. Review status: criteria provided, single submitter. Criteria: Dines et al. (Genet Med. 2020). Collection method: curation. Allele origin: germline.
Comment: Missense variant in a coldspot region where missense variants are very unlikely to be pathogenic (PMID:31911673).

BRCA2 exon 11 coldspot. Reclassification based on statistical prior probability.

CHEO Genetics Diagnostic Laboratory, Children's Hospital of Eastern Ontario
Classification: Uncertain significance for Breast and/or ovarian cancer. Last evaluated: 2017-01-17. Review status: criteria provided, single submitter. Criteria: ACMG Guidelines, 2015. Collection method: clinical testing. Allele origin: germline. Study: Canadian Open Genetics Repository.

Literature cited by the submitters: PubMed 29684080 (cited by Ambry Genetics); PubMed 30287823 (cited by 3 submitters); PubMed 31214711 (cited by Color Diagnostics, LLC DBA Color Health); PubMed 31853058 (cited by Color Diagnostics, LLC DBA Color Health); PubMed 32980694 (cited by Color Diagnostics, LLC DBA Color Health).

NM_000059.4(BRCA2):c.4118T>C (p.Met1373Thr)

Gene: BRCA2 (BRCA2 DNA repair associated; plus strand). Cytogenetic location: 13q13.1.
Variant type: single nucleotide variant.
Coding change: c.4118T>C on transcript NM_000059.4 (MANE Select); coding-DNA position 4118, T replaced by C.
Protein change: p.Met1373Thr; replaces methionine 1373 with threonine.
Molecular consequence: missense variant.
Genome position (GRCh38, 1-based): chr13:32,338,473, T>C. VCF-style: chr13-32338473-T-C. GRCh37 (hg19) VCF-style: chr13-32912610-T-C.
Other names: short protein forms M1373T.
Identifiers: ClinVar variation 232896 (VCV000232896.28), dbSNP rs750581150, ClinGen allele CA6940751.